The following is an entry in ClinVar:

NM_018699.4(PRDM5):c.775dup (p.Asp259fs)

Gene: PRDM5 (PR/SET domain 5; minus strand). Cytogenetic location: 4q27.
Variant type: Duplication.
Coding change: c.775dup on transcript NM_018699.4 (MANE Select); coding-DNA position 775, one base duplicated (G; older notation c.775dupG).
Protein change: p.Asp259fs; shifts the reading frame from aspartic acid 259.
Molecular consequence: frameshift variant.
Genome position (GRCh38, 1-based): chr4:120,816,543, C duplicated on the plus strand (G on the coding strand, the reverse complement: PRDM5 is on the minus strand); the first of 6 consecutive C bases (chr4:120,816,543-120,816,548); duplicating any one gives the same sequence. VCF-style (leftmost placement, unchanged base first): chr4-120816542-T-TC. GRCh37 (hg19) VCF-style: chr4-121737697-T-TC.
Other names: c.682dup, p.Asp228fs (NM_001300823.2, NM_001300824.2, NM_001379106.1); c.775dup, p.Asp259fs (NM_001379104.1); short protein forms D259fs, D228fs.
Identifiers: ClinVar variation 372474 (VCV000372474.2), dbSNP rs1057517804, ClinGen allele CA16042545.

ClinVar aggregate classification (germline): Likely pathogenic (1 of 4 stars; one submission).

Submission:

GeneDx
Classification: Likely pathogenic. Last evaluated: 2016-06-28. Review status: criteria provided, single submitter. Criteria: GeneDx Variant Classification (06012015). Collection method: clinical testing. Allele origin: germline. Affected: yes.
Comment: The c.775dupG variant in the PRDM5 gene has not been reported previously as a pathogenic variant nor as a benign variant, to our knowledge. The c.775dupG variant causes a frameshift starting with codon Aspartic acid 259, changes this amino acid to a Glycine residue and creates a premature Stop codon at position 9 of the new reading frame, denoted p.Asp259GlyfsX9. This variant is predicted to cause loss of normal protein function either through protein truncation or nonsense-mediated mRNA decay. The c.775dupG variant was not observed in approximately 6,500 individuals of European and African American ancestry in the NHLBI Exome Sequencing Project, indicating it is not a common benign variant in these populations. We interpret c..775dupG as a strong candidate for a pathogenic variant; however, the possibility that it may be a rare benign variant cannot be excluded.